The following is an entry in ClinVar:

ClinVar aggregate classification (germline): Uncertain significance (1 of 4 stars; one submission).

Conditions:
Epilepsy. Also called: Seizure disorder. Identifiers: MedGen C0014544, MeSH D004827, MONDO:0005027.

Submission:

Labcorp Genetics (formerly Invitae), Labcorp
Classification: Uncertain significance for Epilepsy. Last evaluated: 2022-03-04. Review status: criteria provided, single submitter. Criteria: Invitae Variant Classification Sherloc (09022015). Collection method: clinical testing. Allele origin: germline.
Comment: This sequence change replaces arginine, which is basic and polar, with leucine, which is neutral and non-polar, at codon 562 of the PIGQ protein (p.Arg562Leu). This variant is not present in population databases (gnomAD no frequency). This variant has not been reported in the literature in individuals affected with PIGQ-related conditions. Algorithms developed to predict the effect of missense changes on protein structure and function (SIFT, PolyPhen-2, Align-GVGD) all suggest that this variant is likely to be tolerated. In summary, the available evidence is currently insufficient to determine the role of this variant in disease. Therefore, it has been classified as a Variant of Uncertain Significance.

NM_004204.5(PIGQ):c.1685G>T (p.Arg562Leu)

Gene: PIGQ (phosphatidylinositol glycan anchor biosynthesis class Q; plus strand). Cytogenetic location: 16p13.3.
Variant type: single nucleotide variant.
Coding change: c.1685G>T on transcript NM_004204.5 (MANE Select); coding-DNA position 1685, G replaced by T.
Protein change: p.Arg562Leu; replaces arginine 562 with leucine.
Molecular consequence: missense variant. On other transcripts: synonymous variant (1).
Genome position (GRCh38, 1-based): chr16:582,974, G>T. VCF-style: chr16-582974-G-T. GRCh37 (hg19) VCF-style: chr16-632974-G-T.
Other names: c.1623G>T, p.Pro541= (NM_148920.4); short protein forms R562L.
Identifiers: ClinVar variation 2092285 (VCV002092285.3), dbSNP rs372069327, ClinGen allele CA394061905.
Genomic context (GRCh38, chr16:582,974, plus strand): 5'-ACACCTACCGCCTCCCCAGCTGTGGCTGCCACCCCAAGCACTCCTGGGGCGCCCTGTGCC[G>T]CAAGCTGTTCCTTGGGGAGCTCATCTACCCCTGGAGGCAGAGAGGGGACAAGCAGGACTG-3'
Protein context (NP_004195.2, residues 552-572): HPKHSWGALC[Arg562Leu]KLFLGELIYP